The following is an entry in ClinVar:

NM_004168.4(SDHA):c.1343G>A (p.Gly448Asp)

Gene: SDHA (succinate dehydrogenase complex flavoprotein subunit A; plus strand). Cytogenetic location: 5p15.33.
Variant type: single nucleotide variant.
Coding change: c.1343G>A on transcript NM_004168.4 (MANE Select); coding-DNA position 1343, G replaced by A.
Protein change: p.Gly448Asp; replaces glycine 448 with aspartic acid.
Molecular consequence: missense variant.
Genome position (GRCh38, 1-based): chr5:236,510, G>A. VCF-style: chr5-236510-G-A. GRCh37 (hg19) VCF-style: chr5-236625-G-A.
Other names: c.1199G>A, p.Gly400Asp (NM_001294332.2); c.1343G>A, p.Gly448Asp (NM_001330758.2); short protein forms G400D, G448D.
Identifiers: ClinVar variation 4546970 (VCV004546970.2).
Genomic context (GRCh38, chr5:236,510, plus strand): 5'-AGGATCAGATTGTGCCCGGCCTGTACGCCTGTGGGGAGGCCGCCTGTGCCTCGGTACATG[G>A]TGCCAACCGCCTCGGGGCAAACTCGCTCTTGGACCTGGTTGTCTTTGGTCGGGCATGTGC-3'
Protein context (NP_004159.2, residues 438-458): CGEAACASVH[Gly448Asp]ANRLGANSLL

ClinVar aggregate classification (germline): Uncertain significance (1 of 4 stars; one submission).

Conditions:
Hereditary cancer-predisposing syndrome. Also called: Neoplastic Syndromes, Hereditary; Tumor predisposition; Hereditary Cancer Syndrome; Hereditary neoplastic syndrome. Identifiers: Orphanet 140162, MedGen C0027672, MeSH D009386, MONDO:0015356.

Submission:

Ambry Genetics
Classification: Uncertain significance for Hereditary cancer-predisposing syndrome. Last evaluated: 2026-02-05. Review status: criteria provided, single submitter. Criteria: Ambry Variant Classification Scheme 2023. Collection method: clinical testing. Allele origin: germline.
Comment: The p.G448D variant (also known as c.1343G>A), located in coding exon 10 of the SDHA gene, results from a G to A substitution at nucleotide position 1343. The glycine at codon 448 is replaced by aspartic acid, an amino acid with similar properties. This amino acid position is highly conserved in available vertebrate species. In addition, this alteration is predicted to be deleterious by in silico analysis. Based on the available evidence, the clinical significance of this variant remains unclear.